The following is an entry in ClinVar:

NM_203447.4(DOCK8):c.4034G>C (p.Ser1345Thr)

Gene: DOCK8 (dedicator of cytokinesis 8; plus strand). Cytogenetic location: 9p24.3.
Variant type: single nucleotide variant.
Coding change: c.4034G>C on transcript NM_203447.4 (MANE Select); coding-DNA position 4034, G replaced by C.
Protein change: p.Ser1345Thr; replaces serine 1345 with threonine.
Molecular consequence: missense variant.
Genome position (GRCh38, 1-based): chr9:420,959, G>C. VCF-style: chr9-420959-G-C. GRCh37 (hg19) VCF-style: chr9-420959-G-C.
Other names: c.3734G>C, p.Ser1245Thr (NM_001190458.2); c.3830G>C, p.Ser1277Thr (NM_001193536.2); short protein forms S1345T, S1245T, S1277T.
Identifiers: ClinVar variation 572024 (VCV000572024.5), dbSNP rs138869438, ClinGen allele CA4958918.

ClinVar aggregate classification (germline): Uncertain significance. Review status: criteria provided, multiple submitters, no conflicts (2 of 4 stars). 2 submissions from 2 submitters: Uncertain significance (2). Last evaluated 2024-03-20.

Conditions:
Combined immunodeficiency due to DOCK8 deficiency (HIES2). Also called: DOCK8 Deficiency; HYPER-IgE RECURRENT INFECTION SYNDROME 2, AUTOSOMAL RECESSIVE; HIES autosomal recessive; HYPER-IgE SYNDROME 2, AUTOSOMAL RECESSIVE, WITH RECURRENT INFECTIONS; Hyper-IgE recurrent infection syndrome, autosomal recessive. Identifiers: Orphanet 217390, MedGen C4722305, MONDO:0009478, OMIM 243700.

Allele frequency attached by ClinVar (database versions not stated): gnomAD 0.00001; ExAC 0.00002; gnomAD exomes 0.00004; TOPMed 0.00004; ESP Exome Variant Server 0.00008.
gnomAD v4.1: 119 of 1,614,086 alleles (0.0074%); highest among the groups gnomAD compares: Non-Finnish European, 0.0097%; no homozygotes.

Submissions (2):

Blueprint Genetics
Classification: Uncertain significance. Last evaluated: 2024-03-20. Review status: criteria provided, single submitter. Criteria: ACMG Guidelines, 2015. Collection method: clinical testing. Allele origin: germline.

Labcorp Genetics (formerly Invitae), Labcorp
Classification: Uncertain significance for Combined immunodeficiency due to DOCK8 deficiency. Last evaluated: 2022-04-24. Review status: criteria provided, single submitter. Criteria: Invitae Variant Classification Sherloc (09022015). Collection method: clinical testing. Allele origin: germline.
Comment: This sequence change replaces serine, which is neutral and polar, with threonine, which is neutral and polar, at codon 1345 of the DOCK8 protein (p.Ser1345Thr). This variant is present in population databases (rs138869438, gnomAD 0.009%). This variant has not been reported in the literature in individuals affected with DOCK8-related conditions. ClinVar contains an entry for this variant (Variation ID: 572024). Algorithms developed to predict the effect of missense changes on protein structure and function output the following: SIFT: "Tolerated"; PolyPhen-2: "Benign"; Align-GVGD: "Class C0". The threonine amino acid residue is found in multiple mammalian species, which suggests that this missense change does not adversely affect protein function. In summary, the available evidence is currently insufficient to determine the role of this variant in disease. Therefore, it has been classified as a Variant of Uncertain Significance.